The following is an entry in ClinVar:

ClinVar aggregate classification (germline): Uncertain significance. Review status: criteria provided, single submitter (1 of 4 stars). 2 submissions from 2 submitters: Uncertain significance (1). 1 of the submissions does not count toward it. Last evaluated 2025-11-01.

Conditions:
DSG1-related disorder. Also called: DSG1-related condition.

Allele frequency attached by ClinVar (database versions not stated): gnomAD exomes below 0.00001.
gnomAD v4.1: 1 of 1,613,778 alleles (0.000062%); highest among the groups gnomAD compares: East Asian, 0.0022%; no homozygotes.

Submissions (2):

Labcorp Genetics (formerly Invitae), Labcorp
Classification: Uncertain significance. Last evaluated: 2025-11-01. Review status: criteria provided, single submitter. Criteria: Invitae Variant Classification Sherloc (09022015). Collection method: clinical testing. Allele origin: germline.
Comment: This sequence change replaces methionine, which is neutral and non-polar, with valine, which is neutral and non-polar, at codon 342 of the DSG1 protein (p.Met342Val). This variant is present in population databases (no rsID available, gnomAD 0.0009%). This variant has not been reported in the literature in individuals affected with DSG1-related conditions. ClinVar contains an entry for this variant (Variation ID: 2878951). Invitae Evidence Modeling of protein sequence and biophysical properties (such as structural, functional, and spatial information, amino acid conservation, physicochemical variation, residue mobility, and thermodynamic stability) indicates that this missense variant is not expected to disrupt DSG1 protein function with a negative predictive value of 80%. In summary, the available evidence is currently insufficient to determine the role of this variant in disease. Therefore, it has been classified as a Variant of Uncertain Significance.

PreventionGenetics, part of Exact Sciences
Classification: Uncertain significance for DSG1-related condition. Last evaluated: 2024-03-06. Review status: no assertion criteria provided. Collection method: clinical testing. Allele origin: germline. Not counted in ClinVar's aggregate classification.
Comment: The DSG1 c.1024A>G variant is predicted to result in the amino acid substitution p.Met342Val. To our knowledge, this variant has not been reported in the literature. This variant is reported in 0.00088% of alleles in individuals of European (Non-Finnish) descent in gnomAD. At this time, the clinical significance of this variant is uncertain due to the absence of conclusive functional and genetic evidence.

NM_001942.4(DSG1):c.1024A>G (p.Met342Val)

Gene: DSG1 (desmoglein 1; plus strand). Cytogenetic location: 18q12.1.
Variant type: single nucleotide variant.
Coding change: c.1024A>G on transcript NM_001942.4 (MANE Select); coding-DNA position 1024, A replaced by G.
Protein change: p.Met342Val; replaces methionine 342 with valine.
Molecular consequence: missense variant.
Genome position (GRCh38, 1-based): chr18:31,336,372, A>G. VCF-style: chr18-31336372-A-G. GRCh37 (hg19) VCF-style: chr18-28916335-A-G.
Other names: c.1024A>G (NM_001942.3); short protein forms M342V.
Identifiers: ClinVar variation 2878951 (VCV002878951.4), dbSNP rs1468821281, ClinGen allele CA402132903.